The following is an entry in ClinVar:

NM_001854.4(COL11A1):c.3816+1G>A

Gene: COL11A1 (collagen type XI alpha 1 chain; minus strand). Cytogenetic location: 1p21.1.
Variant type: single nucleotide variant.
Coding change: c.3816+1G>A on transcript NM_001854.4 (MANE Select); the canonical splice donor site of the intron after coding-DNA position 3816, G replaced by A.
Molecular consequence: splice donor variant.
Genome position (GRCh38, 1-based): chr1:102,915,630, C>T on the plus strand (G>A on the coding strand, the complement: COL11A1 is on the minus strand). VCF-style: chr1-102915630-C-T. GRCh37 (hg19) VCF-style: chr1-103381186-C-T.
Other names: IVS50, G-A, +1; c.3699+1G>A (NM_001190709.2); c.3852+1G>A (NM_080629.3); c.3468+1G>A (NM_080630.4).
Identifiers: ClinVar variation 39776 (VCV000039776.27), dbSNP rs398122828, ClinGen allele CA281108.

ClinVar aggregate classification (germline): Pathogenic. Review status: criteria provided, multiple submitters, no conflicts (2 of 4 stars). 16 submissions from 16 submitters: Pathogenic (14). 2 of the submissions do not count toward it. Last evaluated 2025-12-17.

Conditions:
Stickler syndrome type 2 (STL2). Also called: STICKLER SYNDROME, TYPE II; COL11A1-Related Stickler Syndrome; STICKLER SYNDROME, BEADED VITREOUS TYPE; STICKLER SYNDROME, VITREOUS TYPE 2. Identifiers: Orphanet 828, Orphanet 90654, MedGen C1858084, MONDO:0011493, OMIM 604841.
Intervertebral disc disorder (IDD). Also called: Lumbar disk degenerative disorder; INTERVERTEBRAL DISC DISEASE. Identifiers: MedGen C0158252, MONDO:0044339, OMIM 603932.
Fibrochondrogenesis 1 (FBCG1). Identifiers: Orphanet 2021, MedGen C3278138, MONDO:0009226, OMIM 228520.
Marshall syndrome (MRSHS). Identifiers: Orphanet 560, MedGen C0265235, MONDO:0007949, OMIM 154780.
Hearing loss, autosomal dominant 37. Also called: DEAFNESS, AUTOSOMAL DOMINANT 37. Identifiers: MedGen C4760307, MONDO:0032802, OMIM 618533.
COL11A1-related disorder. Also called: COL11A1-related disorders; COL11A1-related condition.
Inborn genetic diseases. Identifiers: MedGen C0950123, MeSH D030342.

Allele frequency attached by ClinVar (database versions not stated): gnomAD exomes below 0.00001.
gnomAD v4.1: 1 of 1,612,494 alleles (0.000062%); highest among the groups gnomAD compares: Non-Finnish European, 0.000085%; no homozygotes.

Submissions (16):

PreventionGenetics, part of Exact Sciences
Classification: Pathogenic for COL11A1-related condition. Last evaluated: 2025-12-17. Review status: criteria provided, single submitter. Criteria: ACMG Guidelines, 2015. Collection method: clinical testing. Allele origin: germline.
Comment: The COL11A1 c.3816+1G>A variant is predicted to disrupt the GT donor site and interfere with normal splicing. This variant was reported in multiple individuals with autosomal dominant Marshall or Stickler syndrome (Figure 5A, Griffith et al. 1998. PubMed ID: 9529347; Acke et al. 2014. PubMed ID: 25240749; Table S1, Peart et al. 2023. PubMed ID: 37996878; described as IVS50+1G>A, Khalifa et al. 2014. PubMed ID: 25073711). This variant has not been reported in a large population database (gnomAD), indicating this variant is rare. Variants that disrupt the consensus splice donor site in COL11A1 are expected to be pathogenic. This variant is interpreted as pathogenic.

Labcorp Genetics (formerly Invitae), Labcorp
Classification: Pathogenic. Last evaluated: 2025-11-23. Review status: criteria provided, single submitter. Criteria: Invitae Variant Classification Sherloc (09022015). Collection method: clinical testing. Allele origin: germline.
Comment: This sequence change affects a donor splice site in intron 50 of the COL11A1 gene. RNA analysis indicates that disruption of this splice site induces altered splicing and likely results in a shortened protein product. This variant is not present in population databases (gnomAD no frequency). Disruption of this splice site has been observed in individual(s) with Marshall or Stickler syndrome (PMID: 9529347, 19449424, 25240749). In at least one individual the variant was observed to be de novo. It has also been observed to segregate with disease in related individuals. This variant is also known as IVS50+1G>A. ClinVar contains an entry for this variant (Variation ID: 39776). Studies have shown that disruption of this splice site results in skipping of exon 51, but is expected to preserve the integrity of the reading-frame (PMID: 9529347). For these reasons, this variant has been classified as Pathogenic.

3billion
Classification: Pathogenic for COL11A1-related disorder. Last evaluated: 2025-08-13. Review status: criteria provided, single submitter. Criteria: ACMG Guidelines, 2015. Collection method: clinical testing. Allele origin: germline. Affected: yes.
Comment: The variant is observed at an extremely low frequency in the gnomAD v4.1.0 dataset (total allele frequency: <0.001%). Predicted Consequence/Location: Canonical splice site: predicted to alter splicing and result in a loss or disruption of normal protein function. Multiple pathogenic loss-of-function variants are reported downstream of the variant. In silico tools predict the variant to alter splicing and produce an abnormal transcript [SpliceAI: 0.99 (spliceogenicity >=0.2, non-spliceogenicity <0.1)]. The variant has been observed in multiple (>3) similarly affected unrelated individuals (PMID: 19449424, 25073711, 25240749, 30020262, 34589056, 9529347). The variant has been previously reported as assumed (i.e. paternity and maternity not confirmed) de novo in at least one similarly affected unrelated individual (PMID: 34589056).The variant has been reported to co-segregate with the disease in at least 7 similarly affected relatives/individuals in at least two unrelated families (PMID: 9529347). The variant has been reported at least twice as pathogenic with clinical assertions and evidence for the classification (ClinVar ID: VCV000039776 /PMID: 9529347 /3billion dataset). Therefore, this variant is classified as Pathogenic according to the recommendation of ACMG/AMP guideline.

Variantyx, Inc.
Classification: Pathogenic for Marshall syndrome. Last evaluated: 2025-03-27. Review status: criteria provided, single submitter. Criteria: Variantyx Assertion Criteria 2022. Collection method: clinical testing. Allele origin: germline. Inheritance: Autosomal dominant inheritance.
Comment: This is a canonical splicing variant in the COL11A1 gene (OMIM: 120280). Pathogenic variants in this gene have been associated with autosomal dominant Marshall syndrome. This splicing variant is expected to result in loss of function, which is a known disease mechanism for COL11A1 in this disorder (PMID: 20513134, 32756486, 9529347) (PVS1). It has been reported in at least 3 unrelated affected individual(s) (PMID: 9529347, 30020262, 25073711) (PS4_Moderate) and has been observed to segregate with disease in at least 13 individuals from 3 families (PMID: 9529347, 30020262, 25073711) (PP1). This variant has a 0.0003% maximum allele frequency in non-founder control populations (PM2). Based on the current evidence, this variant is classified as pathogenic for autosomal dominant Marshall syndrome.

Revvity Omics, Revvity
Classification: Pathogenic. Last evaluated: 2024-09-10. Review status: criteria provided, single submitter. Criteria: ACMG Guidelines, 2015. Collection method: clinical testing. Allele origin: germline.

Ambry Genetics
Classification: Pathogenic for Inborn genetic diseases. Last evaluated: 2024-02-23. Review status: criteria provided, single submitter. Criteria: Ambry Variant Classification Scheme 2023. Collection method: clinical testing. Allele origin: germline.
Comment: The c.3816+1G>A intronic variant results from a G to A substitution one nucleotide after coding exon 50 of the COL11A1 gene. Alterations that disrupt the canonical splice site are expected to result in aberrant splicing. The resulting transcript is predicted to be in-frame and is not expected to trigger nonsense-mediated mRNAdecay. The exact functional effect of the altered amino acid sequence is unknown. This variant was not reported in population-based cohorts in the Genome Aggregation Database (gnomAD). This variant has been reported to segregate in affected individuals from multiple families with features consistent with Type XI collagenopathy (Ala-Kokko, 2009; Bacciu, 2018; Griffith, 1998; Khalifa, 2014). Additional unrelated affected individuals have been reported (Acke, 2014; Khan, 2021; Scocchia, 2021; Yu, 2021). This nucleotide position is highly conserved in available vertebrate species. RNA studies have demonstrated that this alteration results in abnormal splicing (Griffith, 1998). In silico splice site analysis predicts that this alteration will weaken the native splice donor site and will result in the creation or strengthening of a novel splice donor site. Based on the available evidence, this alteration is classified as pathogenic.

Greenwood Genetic Center Diagnostic Laboratories, Greenwood Genetic Center
Classification: Pathogenic for COL11A1-related disorder. Last evaluated: 2023-05-03. Review status: criteria provided, single submitter. Criteria: ACMG Guidelines, 2015. Collection method: clinical testing. Allele origin: germline. Affected: yes.
Comment: PS3, PS4, PM2, PM6, PP1, PP3_Strong

GeneDx
Classification: Pathogenic. Last evaluated: 2022-04-13. Review status: criteria provided, single submitter. Criteria: GeneDx Variant Classification Process June 2021. Collection method: clinical testing. Allele origin: germline. Affected: yes.
Comment: Canonical splice site variant expected to result in aberrant splicing; sequencing of cDNA prepared from patient fibroblasts demonstrated in-frame deletion of 18 amino acid codons in the triple helical domain, consistent with exon skip (Griffith et al., 1998); Deletions involving coding exons in this gene are frequently reported as pathogenic, regardless of frame prediction (HGMD); Not observed in large population cohorts (gnomAD); This variant is associated with the following publications: (PMID: 17236192, 34589056, 19449424, 25240749, 25525159, 9529347, 28983407, 25073711, 30020262, 33502061, 34006472, 33951325)

Blueprint Genetics
Classification: Pathogenic for COL11A1-related disorders. Last evaluated: 2022-01-27. Review status: criteria provided, single submitter. Criteria: ACMG Guidelines, 2015. Collection method: clinical testing. Allele origin: germline. Affected: yes. Observed: 5 variant alleles.

Athena Diagnostics
Classification: Pathogenic. Last evaluated: 2021-08-17. Review status: criteria provided, single submitter. Criteria: Athena Diagnostics Criteria. Collection method: clinical testing. Allele origin: unknown.
Comment: The majority of patients reported with this variant are described as having Marshall syndrome (PMID 17236192, 9529347, 19449424, 3002026, 25073711) although some are also described as having Stickler syndrome (PMID 97928857, 25240749). This variant segregates with disease in multiple families (PMID 9529347, 30020262, 25073711). Computational tools yielded predictions that this variant may interfere with normal RNA splicing. This variant has not been reported in large, multi-ethnic general populations.This observation is not an independent occurrence and has been identified in the same individual by RCIGM, the other laboratory participating in the GEMINI study.

Institute of Human Genetics Munich, TUM University Hospital
Classification: Pathogenic for Stickler syndrome type 2. Last evaluated: 2021-04-22. Review status: criteria provided, single submitter. Criteria: Classification criteria August 2017. Collection method: clinical testing. Allele origin: de novo. Inheritance: Autosomal dominant inheritance. Affected: yes. Observed: 1 variant allele.

Eurofins Ntd Llc (ga)
Classification: Pathogenic. Last evaluated: 2015-09-29. Review status: criteria provided, single submitter. Criteria: EGL Classification Definitions 2015. Collection method: clinical testing. Allele origin: germline. Observed: 1 variant allele, 1 heterozygote.

Clinical Genetics Service, Universitary Hospital 12 de Octubre
Classification: Pathogenic for Stickler syndrome type 2. Review status: criteria provided, single submitter. Criteria: ACMG Guidelines, 2015. Collection method: clinical testing. Allele origin: de novo. Affected: yes.

Juno Genomics, Hangzhou Juno Genomics, Inc
Classification: Pathogenic for Stickler syndrome type 2; Intervertebral disc disorder; Hearing loss, autosomal dominant 37; Fibrochondrogenesis 1; Marshall syndrome. Review status: criteria provided, single submitter. Criteria: ACMG Guidelines, 2015. Collection method: clinical testing. Allele origin: germline. Affected: yes.
Comment: Absent from controls (or at extremely low frequency if recessive) in Genome Aggregation Database.;Located in a mutational hot spot and/or critical and well-established functional domain without benign variation.;Co-segregation with disease in multiple affected family members.;The prevalence of the variant in affected individuals is significantly increased compared to the prevalence in controls.;De novo (both maternity and paternity confirmed) in a patient with the disease and no family history.

Beijing Key Laboratory for Genetic Research of Skeletal Deformity, Peking Union Medical College Hospital
Classification: Pathogenic for Marshall syndrome. Last evaluated: 2019-05-31. Review status: no assertion criteria provided. Collection method: research. Allele origin: de novo. Affected: yes. Not counted in ClinVar's aggregate classification.

OMIM
Classification: Pathogenic for MARSHALL SYNDROME. Last evaluated: 2007-02-01. Review status: no assertion criteria provided. Collection method: literature only. Allele origin: germline. Not counted in ClinVar's aggregate classification.

Literature cited by the submitters: PubMed 9529347 (cited by 5 submitters); PubMed 19449424 (cited by 3 submitters); PubMed 25240749 (cited by 3 submitters); PubMed 30020262 (cited by 3 submitters); PubMed 25073711 (cited by 3 submitters); PubMed 34589056 (cited by 3billion and Ambry Genetics); PubMed 20513134 (cited by Variantyx, Inc.); PubMed 32756486 (cited by Variantyx, Inc.); PubMed 33951325 (cited by Ambry Genetics); PubMed 34627339 (cited by Ambry Genetics); PubMed 9792885 (cited by OMIM); PubMed 9129742 (cited by OMIM); Warman, M. L., Tiller, G. E., Griffith, A. J. Reply to Shanske et al. (Letter) Am. J. Hum. Genet. 63: 1559-1561, 1998. (cited by OMIM); PubMed 13520885 (cited by OMIM); PubMed 17236192 (cited by OMIM).